The following is an entry in ClinVar:

ClinVar aggregate classification (germline): Pathogenic (1 of 4 stars; one submission).

Conditions:
Seizure. Also called: Seizures. Identifiers: MedGen C0036572, HP:0001250.

Submission:

Equipe Genetique des Anomalies du Developpement, Université de Bourgogne
Classification: Pathogenic for Seizure. Review status: criteria provided, single submitter. Criteria: ACMG Guidelines, 2015. Collection method: research. Allele origin: inherited. Affected: yes.

NM_152743.4(BRAT1):c.1654C>T (p.Gln552Ter)

Gene: BRAT1 (BRCA1 associated ATM activator 1; minus strand). Cytogenetic location: 7p22.3.
Variant type: single nucleotide variant.
Coding change: c.1654C>T on transcript NM_152743.4 (MANE Select); coding-DNA position 1654, C replaced by T.
Protein change: p.Gln552Ter; replaces glutamine 552 with a stop codon.
Molecular consequence: nonsense. On other transcripts: non-coding transcript variant (1).
Genome position (GRCh38, 1-based): chr7:2,539,295, G>A on the plus strand (C>T on the coding strand, the complement: BRAT1 is on the minus strand). VCF-style: chr7-2539295-G-A. GRCh37 (hg19) VCF-style: chr7-2578929-G-A.
Other names: c.1654C>T, p.Gln552Ter (NM_001350626.2); c.1129C>T, p.Gln377Ter (NM_001350627.2); short protein forms Q377*, Q552*.
Identifiers: ClinVar variation 1172632 (VCV001172632.1), dbSNP rs2128386131, ClinGen allele CA366627316.